The following is an entry in ClinVar:

NM_005076.5(CNTN2):c.278G>A (p.Gly93Asp)

Gene: CNTN2 (contactin 2; plus strand). Cytogenetic location: 1q32.1.
Variant type: single nucleotide variant.
Coding change: c.278G>A on transcript NM_005076.5 (MANE Select); coding-DNA position 278, G replaced by A.
Protein change: p.Gly93Asp; replaces glycine 93 with aspartic acid.
Molecular consequence: missense variant. On other transcripts: non-coding transcript variant (1).
Genome position (GRCh38, 1-based): chr1:205,058,243, G>A. VCF-style: chr1-205058243-G-A. GRCh37 (hg19) VCF-style: chr1-205027371-G-A.
Other names: c.278G>A, p.Gly93Asp (NM_001346083.2); short protein forms G93D.
Identifiers: ClinVar variation 3709368 (VCV003709368.2).

ClinVar aggregate classification (germline): Uncertain significance (1 of 4 stars; one submission).

Conditions:
Epilepsy, familial adult myoclonic, 5 (EPEO5). Also called: CORTICAL MYOCLONIC TREMOR WITH EPILEPSY, FAMILIAL, 5. Identifiers: Orphanet 86814, MedGen C3809374, MONDO:0014167, OMIM 615400.

gnomAD v4.1: 2 of 1,559,748 alleles (0.00013%); highest among the groups gnomAD compares: Non-Finnish European, 0.00017%; no homozygotes.

Submission:

Labcorp Genetics (formerly Invitae), Labcorp
Classification: Uncertain significance for Epilepsy, familial adult myoclonic, 5. Last evaluated: 2024-12-22. Review status: criteria provided, single submitter. Criteria: Invitae Variant Classification Sherloc (09022015). Collection method: clinical testing. Allele origin: germline.
Comment: This sequence change replaces glycine, which is neutral and non-polar, with aspartic acid, which is acidic and polar, at codon 93 of the CNTN2 protein (p.Gly93Asp). This variant is not present in population databases (gnomAD no frequency). This variant has not been reported in the literature in individuals affected with CNTN2-related conditions. Invitae Evidence Modeling of protein sequence and biophysical properties (such as structural, functional, and spatial information, amino acid conservation, physicochemical variation, residue mobility, and thermodynamic stability) indicates that this missense variant is not expected to disrupt CNTN2 protein function with a negative predictive value of 95%. In summary, the available evidence is currently insufficient to determine the role of this variant in disease. Therefore, it has been classified as a Variant of Uncertain Significance.